The following is an entry in ClinVar:

ClinVar aggregate classification (germline): Conflicting classifications of pathogenicity. Review status: criteria provided, conflicting classifications (1 of 4 stars). 2 submissions from 2 submitters: Pathogenic (1); Uncertain significance (1). Last evaluated 2025-08-12.

Conditions:
Transcobalamin I deficiency (TCN1D). Also called: COBALAMIN PSEUDODEFICIENCY DUE TO TRANSCOBALAMIN DEFICIENCY; COBALAMIN R BINDER PROTEIN DEFICIENCY; TCN1 DEFICIENCY. Identifiers: Orphanet 2967, MedGen C0342700, MONDO:0008659, OMIM 193090.

gnomAD v4.1: 35 of 1,613,628 alleles (0.0022%); highest among the groups gnomAD compares: Non-Finnish European, 0.0029%; no homozygotes.

Submissions (2):

Labcorp Genetics (formerly Invitae), Labcorp
Classification: Pathogenic for Transcobalamin I deficiency. Last evaluated: 2025-08-12. Review status: criteria provided, single submitter. Criteria: Invitae Variant Classification Sherloc (09022015). Collection method: clinical testing. Allele origin: germline.
Comment: This sequence change creates a premature translational stop signal (p.Gln77*) in the TCN1 gene. It is expected to result in an absent or disrupted protein product. Loss-of-function variants in TCN1 are known to be pathogenic (PMID: 19686235). This variant is present in population databases (rs781394535, gnomAD 0.003%). This variant has not been reported in the literature in individuals affected with TCN1-related conditions. For these reasons, this variant has been classified as Pathogenic.

Blueprint Genetics
Classification: Uncertain significance. Last evaluated: 2022-07-11. Review status: criteria provided, single submitter. Criteria: ACMG Guidelines, 2015. Collection method: clinical testing. Allele origin: germline.

Literature cited by the submitters: PubMed 19686235 (cited by Labcorp Genetics (formerly Invitae), Labcorp).

NM_001062.4(TCN1):c.229C>T (p.Gln77Ter)

Gene: TCN1 (transcobalamin 1; minus strand). Cytogenetic location: 11q12.1.
Variant type: single nucleotide variant.
Coding change: c.229C>T on transcript NM_001062.4 (MANE Select); coding-DNA position 229, C replaced by T.
Protein change: p.Gln77Ter; replaces glutamine 77 with a stop codon.
Molecular consequence: nonsense.
Genome position (GRCh38, 1-based): chr11:59,863,937, G>A on the plus strand (C>T on the coding strand, the complement: TCN1 is on the minus strand). VCF-style: chr11-59863937-G-A. GRCh37 (hg19) VCF-style: chr11-59631410-G-A.
Other names: short protein forms Q77*.
Identifiers: ClinVar variation 4762049 (VCV004762049.2).